The following is an entry in ClinVar:

ClinVar aggregate classification (germline): Likely pathogenic (1 of 4 stars; one submission).

Conditions:
Primary ciliary dyskinesia 3. Identifiers: Orphanet 244, MedGen C1837618, MONDO:0012085, OMIM 608644.

Submission:

Myriad Genetics, Inc.
Classification: Likely pathogenic for Primary ciliary dyskinesia 3. Last evaluated: 2022-03-27. Review status: criteria provided, single submitter. Criteria: Myriad Women's Health Autosomal Recessive and X-Linked Classification Criteria (2021). Collection method: clinical testing. Allele origin: unknown.
Comment: NM_001369.2(DNAH5):c.8161A>T(K2721*) is expected to be pathogenic in the context of DNAH5-related primary ciliary dyskinesia. This variant is predicted to lead to an abnormal or absent protein product due to the creation of a premature termination codon in DNAH5, a gene where loss-of-function variants are known to be pathogenic. Please note: this variant was assessed in the context of healthy population screening.

NM_001369.3(DNAH5):c.8161A>T (p.Lys2721Ter)

Gene: DNAH5 (dynein axonemal heavy chain 5; minus strand). Cytogenetic location: 5p15.2.
Variant type: single nucleotide variant.
Coding change: c.8161A>T on transcript NM_001369.3 (MANE Select); coding-DNA position 8161, A replaced by T.
Protein change: p.Lys2721Ter; replaces lysine 2721 with a stop codon.
Molecular consequence: nonsense.
Genome position (GRCh38, 1-based): chr5:13,793,578, T>A on the plus strand (A>T on the coding strand, the complement: DNAH5 is on the minus strand). VCF-style: chr5-13793578-T-A. GRCh37 (hg19) VCF-style: chr5-13793687-T-A.
Other names: short protein forms K2721*.
Identifiers: ClinVar variation 1725482 (VCV001725482.2), dbSNP rs2546743083, ClinGen allele CA359221207.
Genomic context (GRCh38, chr5:13,793,578, plus strand): 5'-AGATCTTGTCCACAGAAGCTTCAGAGGGCAACGTGCAATTAAATATAGAGAACTGCCTCT[T>A]GAGTCTTTGGGGTATGTCATTGCGTCCACCACCAGGATGGATCATGGCTGCCAAAAACTG-3'